The following is an entry in ClinVar:

ClinVar aggregate classification (germline): Uncertain significance. Review status: criteria provided, multiple submitters, no conflicts (2 of 4 stars). 2 submissions from 2 submitters: Uncertain significance (2). Last evaluated 2024-07-20.

Conditions:
Malignant hyperthermia, susceptibility to, 1 (MHS1). Also called: RYR1-Related Malignant Hyperthermia Susceptibility; Anesthesia related hyperthermia; Malignant hyperpyrexia; Fulminating hyperpyrexia; Pharmacogenic myopathy; Malignant hyperthermia suceptibility 1. Identifiers: Orphanet 423, MedGen C2930980, MONDO:0007783, OMIM 145600.

Allele frequency attached by ClinVar (database versions not stated): gnomAD 0.00001; TOPMed 0.00001.
gnomAD v4.1: 9 of 1,605,100 alleles (0.00056%); highest among the groups gnomAD compares: East Asian, 0.0022%; no homozygotes.

Submissions (2):

All of Us Research Program, National Institutes of Health
Classification: Uncertain significance for Malignant hyperthermia, susceptibility to, 1. Last evaluated: 2024-07-20. Review status: criteria provided, single submitter. Criteria: ACMG Guidelines, 2015. Collection method: clinical testing. Allele origin: germline. Inheritance: Autosomal dominant inheritance. Observed: 1 variant allele, 1 heterozygote.
Comment: This missense variant replaces arginine with glutamine at codon 2401 of the RYR1 protein. Computational prediction is inconclusive regarding the impact of this variant on protein structure and function (internally defined REVEL score threshold 0.5 < inconclusive < 0.7, PMID: 27666373). To our knowledge, functional studies have not been reported for this variant. This variant has not been reported in individuals affected with RYR1-related disorders in the literature. This variant has been identified in 2/235216 chromosomes in the general population by the Genome Aggregation Database (gnomAD). The available evidence is insufficient to determine the role of this variant in disease conclusively. Therefore, this variant is classified as a Variant of Uncertain Significance.

This study involves interpretation of variants in research participants for the purpose of population health screening. Participant phenotype was not available at the time of variant classification. Additional details can be found in publication PMID: 35346344, PMCID: PMC8962531

GeneDx
Classification: Uncertain significance. Last evaluated: 2022-03-25. Review status: criteria provided, single submitter. Criteria: GeneDx Variant Classification Process June 2021. Collection method: clinical testing. Allele origin: germline. Affected: yes.
Comment: Not observed at significant frequency in large population cohorts (gnomAD); In silico analysis supports that this missense variant does not alter protein structure/function; Has not been previously published as pathogenic or benign to our knowledge; This variant is associated with the following publications: (PMID: 12668474)

NM_000540.3(RYR1):c.7202G>A (p.Arg2401Gln)

Gene: RYR1 (ryanodine receptor 1; plus strand). Cytogenetic location: 19q13.2.
Variant type: single nucleotide variant.
Coding change: c.7202G>A on transcript NM_000540.3 (MANE Select); coding-DNA position 7202, G replaced by A.
Protein change: p.Arg2401Gln; replaces arginine 2401 with glutamine.
Molecular consequence: missense variant.
Genome position (GRCh38, 1-based): chr19:38,499,809, G>A. VCF-style: chr19-38499809-G-A. GRCh37 (hg19) VCF-style: chr19-38990449-G-A.
Other names: c.7202G>A, p.Arg2401Gln (NM_001042723.2); short protein forms R2401Q.
Identifiers: ClinVar variation 1526308 (VCV001526308.3), dbSNP rs370007152, ClinGen allele CA069232.